The following is an entry in ClinVar:

NM_000843.4(GRM6):c.722-8A>G

Gene: GRM6 (glutamate metabotropic receptor 6; minus strand). Cytogenetic location: 5q35.3.
Variant type: single nucleotide variant.
Coding change: c.722-8A>G on transcript NM_000843.4 (MANE Select); 8 bases into the intron before coding-DNA position 722, A replaced by G.
Molecular consequence: intron variant.
Genome position (GRCh38, 1-based): chr5:178,991,567, T>C on the plus strand (A>G on the coding strand, the complement: GRM6 is on the minus strand). VCF-style: chr5-178991567-T-C. GRCh37 (hg19) VCF-style: chr5-178418568-T-C.
Identifiers: ClinVar variation 2162042 (VCV002162042.1), dbSNP rs374075261, ClinGen allele CA3594374.

ClinVar aggregate classification (germline): Uncertain significance (1 of 4 stars; one submission).

Allele frequency attached by ClinVar (database versions not stated): gnomAD 0.00001; ExAC 0.00002; gnomAD exomes 0.00002; TOPMed 0.00002; ESP Exome Variant Server 0.00008.

Submission:

Labcorp Genetics (formerly Invitae), Labcorp
Classification: Uncertain significance. Last evaluated: 2022-08-09. Review status: criteria provided, single submitter. Criteria: Invitae Variant Classification Sherloc (09022015). Collection method: clinical testing. Allele origin: germline.
Comment: This sequence change falls in intron 2 of the GRM6 gene. It does not directly change the encoded amino acid sequence of the GRM6 protein. This variant is present in population databases (rs374075261, gnomAD 0.007%). This variant has not been reported in the literature in individuals affected with GRM6-related conditions. Algorithms developed to predict the effect of sequence changes on RNA splicing suggest that this variant may disrupt the consensus splice site. In summary, the available evidence is currently insufficient to determine the role of this variant in disease. Therefore, it has been classified as a Variant of Uncertain Significance.